The following is an entry in ClinVar:

ClinVar aggregate classification (germline): Benign. Review status: criteria provided, multiple submitters, no conflicts (2 of 4 stars). 9 submissions from 9 submitters: Benign (6). 3 of the submissions do not count toward it. Last evaluated 2026-02-04.

Conditions:
Cardiovascular phenotype. Identifiers: MedGen CN230736.
ALPK3-related disorder. Also called: ALPK3-related condition.

Allele frequency attached by ClinVar (database versions not stated): 1000 Genomes Project 0.86482; gnomAD exomes 0.81254 and 0.80445; TOPMed 0.84982; ExAC 0.81887; 1000 Genomes Project 30x 0.86212; ESP Exome Variant Server 0.85564.

Submissions (9):

Labcorp Genetics (formerly Invitae), Labcorp
Classification: Benign. Last evaluated: 2026-02-04. Review status: criteria provided, single submitter. Criteria: Invitae Variant Classification Sherloc (09022015). Collection method: clinical testing. Allele origin: germline.

Molecular Diagnostic Laboratory for Inherited Cardiovascular Disease, Montreal Heart Institute
Classification: Benign. Last evaluated: 2025-07-24. Review status: criteria provided, single submitter. Criteria: ACMG Guidelines, 2015. Collection method: clinical testing. Allele origin: germline. Affected: no.

Blueprint Genetics
Classification: Benign. Last evaluated: 2024-11-27. Review status: criteria provided, single submitter. Criteria: ACMG Guidelines, 2015. Collection method: clinical testing. Allele origin: germline.

Ambry Genetics
Classification: Benign for Cardiovascular phenotype. Last evaluated: 2018-12-04. Review status: criteria provided, single submitter. Criteria: Ambry Variant Classification Scheme 2023. Collection method: clinical testing. Allele origin: germline.

GeneDx
Classification: Benign. Last evaluated: 2016-09-09. Review status: criteria provided, single submitter. Criteria: GeneDx Variant Classification (06012015). Collection method: clinical testing. Allele origin: germline. Affected: yes.
Comment: This variant is considered likely benign or benign based on one or more of the following criteria: it is a conservative change, it occurs at a poorly conserved position in the protein, it is predicted to be benign by multiple in silico algorithms, and/or has population frequency not consistent with disease.

Breakthrough Genomics
Classification: Benign. Review status: criteria provided, single submitter. Criteria: ACMG Guidelines, 2015. Collection method: not provided. Allele origin: germline. Inheritance: Autosomal recessive inheritance. Affected: yes.

PreventionGenetics, part of Exact Sciences
Classification: Benign for ALPK3-related condition. Last evaluated: 2019-07-15. Review status: no assertion criteria provided. Collection method: clinical testing. Allele origin: germline. Not counted in ClinVar's aggregate classification.
Comment: This variant is classified as benign based on ACMG/AMP sequence variant interpretation guidelines (Richards et al. 2015 PMID: 25741868, with internal and published modifications).

Clinical Genetics DNA and cytogenetics Diagnostics Lab, Erasmus MC, Erasmus Medical Center
Classification: Benign. Review status: no assertion criteria provided. Collection method: clinical testing. Allele origin: germline. Affected: yes. Study: VKGL Data-share Consensus. Not counted in ClinVar's aggregate classification.

Clinical Genetics, Academic Medical Center
Classification: Benign. Review status: no assertion criteria provided. Collection method: clinical testing. Allele origin: germline. Affected: yes. Study: VKGL Data-share Consensus. Not counted in ClinVar's aggregate classification.

NC_000015.10:g.84816870T>C

Gene: ALPK3 (alpha kinase 3; plus strand). Cytogenetic location: 15q25.3.
Variant type: single nucleotide variant.
Genome position: GRCh38 VCF-style: chr15-84816870-T-C. GRCh37 (hg19) VCF-style: chr15-85360101-T-C.
Identifiers: ClinVar variation 382155 (VCV000382155.19), dbSNP rs11857356, ClinGen allele CA7708770.